The following is an entry in ClinVar:

ClinVar aggregate classification (germline): Benign/Likely benign. Review status: criteria provided, multiple submitters, no conflicts (2 of 4 stars). 2 submissions from 2 submitters: Benign (1); Likely benign (1). Last evaluated 2019-12-31.

Conditions:
Transketolase deficiency. Also called: Short stature, developmental delay, and congenital heart defects. Identifiers: Orphanet 488618, MedGen C5700245, MONDO:0014881, OMIM 617044.

Allele frequency attached by ClinVar (database versions not stated): ESP Exome Variant Server 0.00015; gnomAD 0.00062 and 0.00084; gnomAD exomes 0.00080 and 0.00182; TOPMed 0.00099; ExAC 0.00180; 1000 Genomes Project 30x 0.00328; 1000 Genomes Project 0.00359.
gnomAD v4.1: 1,374 of 1,614,124 alleles (0.085%); highest among the groups gnomAD compares: East Asian, 2.4%; 32 homozygotes.

Submissions (2):

Labcorp Genetics (formerly Invitae), Labcorp
Classification: Benign. Last evaluated: 2019-12-31. Review status: criteria provided, single submitter. Criteria: Invitae Variant Classification Sherloc (09022015). Collection method: clinical testing. Allele origin: germline.

Juno Genomics, Hangzhou Juno Genomics, Inc
Classification: Likely benign for Transketolase deficiency. Review status: criteria provided, single submitter. Criteria: ACMG Guidelines, 2015. Collection method: clinical testing. Allele origin: germline.
Comment: Allele frequency is greater than expected for disorder.;Multiple lines of computational evidence support a deleterious effect on the gene or gene product.

NM_001064.4(TKT):c.1306A>G (p.Met436Val)

Genes: TKT (transketolase; minus strand), LOC126806684 (CDK7 strongly-dependent group 2 enhancer GRCh37_chr3:53261945-53263144; plus strand). Cytogenetic location: 3p21.1.
Variant type: single nucleotide variant.
Coding change: c.1306A>G on transcript NM_001064.4 (MANE Select); coding-DNA position 1306, A replaced by G.
Protein change: p.Met436Val; replaces methionine 436 with valine.
Molecular consequence: missense variant. On other transcripts: non-coding transcript variant (1).
Genome position (GRCh38, 1-based): chr3:53,229,096, T>C on the plus strand (A>G on the coding strand, the complement: TKT is on the minus strand). VCF-style: chr3-53229096-T-C. GRCh37 (hg19) VCF-style: chr3-53263112-T-C.
Other names: c.1306A>G, p.Met436Val (NM_001135055.3); c.1330A>G, p.Met444Val (NM_001258028.2); short protein forms M436V, M444V.
Identifiers: ClinVar variation 789135 (VCV000789135.6), dbSNP rs141784567, ClinGen allele CA2452554.
Genomic context (GRCh38, chr3:53,229,096, plus strand): 5'-TCTCTGTAGCAACGCCATCACTTGGGTAAAAGACAGTTGATGTGGGGACTGACCGAAACA[T>C]AGCCAGATCTTCTAGGGCCATCTGGGAGGGCCCGTCTTCCCCTGGGGTGTGGGGGAAAGG-3'
Protein context (NP_001055.1, residues 426-446): PSQMALEDLA[Met436Val]FRSVPTSTVF